The following is an entry in ClinVar:

NM_001080517.3(SETD5):c.3570G>T (p.Arg1190Ser)

Gene: SETD5 (SET domain containing 5; plus strand). Cytogenetic location: 3p25.3.
Variant type: single nucleotide variant.
Coding change: c.3570G>T on transcript NM_001080517.3 (MANE Select); coding-DNA position 3570, G replaced by T.
Protein change: p.Arg1190Ser; replaces arginine 1190 with serine.
Molecular consequence: missense variant.
Genome position (GRCh38, 1-based): chr3:9,474,521, G>T. VCF-style: chr3-9474521-G-T. GRCh37 (hg19) VCF-style: chr3-9516205-G-T.
Other names: c.3276G>T, p.Arg1092Ser (NM_001292043.2, NM_001349451.2); short protein forms R1092S, R1190S.
Identifiers: ClinVar variation 3030353 (VCV003030353.2), dbSNP rs766887105, ClinGen allele CA2239726.
Genomic context (GRCh38, chr3:9,474,521, plus strand): 5'-ATCAGTAGAACGACTCCGAGAAGGAGGGAGCATCCCCAAGGTCCTCCGAAGCAGCGTGAG[G>T]GTGGCCCAAAAGGGAGAGCCCTCTCCCACATGGGAGAGTAACATCACAGAGAAAGACTCA-3'
Protein context (NP_001073986.1, residues 1180-1200): SIPKVLRSSV[Arg1190Ser]VAQKGEPSPT

ClinVar aggregate classification (germline): Uncertain significance (0 of 4 stars; one submission).

Conditions:
SETD5-related disorder. Also called: SETD5-related disorders; SETD5-related condition.

gnomAD v4.1: 2 of 1,613,890 alleles (0.00012%); highest among the groups gnomAD compares: Non-Finnish European, 0.00017%; no homozygotes.

Submission:

PreventionGenetics, part of Exact Sciences
Classification: Uncertain significance for SETD5-related condition. Last evaluated: 2023-12-14. Review status: no assertion criteria provided. Collection method: clinical testing. Allele origin: germline.
Comment: The SETD5 c.3570G>T variant is predicted to result in the amino acid substitution p.Arg1190Ser. To our knowledge, this variant has not been reported in the literature. This variant is reported in 0.00089% of alleles in individuals of European (Non-Finnish) descent in gnomAD. At this time, the clinical significance of this variant is uncertain due to the absence of conclusive functional and genetic evidence.